The following is an entry in ClinVar:

NM_052845.4(MMAB):c.*2186T>C

Gene: MMAB (metabolism of cobalamin associated B; minus strand). Cytogenetic location: 12q24.11.
Variant type: single nucleotide variant.
Coding change: c.*2186T>C on transcript NM_052845.4 (MANE Select); 2186 bases downstream of the stop codon, T replaced by C.
Molecular consequence: 3 prime UTR variant. On other transcripts: non-coding transcript variant (1).
Genome position (GRCh38, 1-based): chr12:109,554,842, A>G on the plus strand (T>C on the coding strand, the complement: MMAB is on the minus strand). VCF-style: chr12-109554842-A-G. GRCh37 (hg19) VCF-style: chr12-109992647-A-G.
Identifiers: ClinVar variation 307017 (VCV000307017.5), dbSNP rs147647465, ClinGen allele CA6778548.

ClinVar aggregate classification (germline): Likely benign (1 of 4 stars; one submission).

Conditions:
Methylmalonic aciduria, cblB type (MACB). Also called: Vitamin B12-responsive methylmalonic acidemia type cblB; METHYLMALONIC ACIDURIA, VITAMIN B12-RESPONSIVE, DUE TO DEFECT IN SYNTHESIS OF ADENOSYLCOBALAMIN, cblB TYPE; Methylmalonic acidemia cblB type. Identifiers: Orphanet 28, Orphanet 79311, MedGen C1855102, MONDO:0009614, OMIM 251110.

Allele frequency attached by ClinVar (database versions not stated): gnomAD 0.00246 and 0.00292; gnomAD exomes 0.00591 and 0.00600; ExAC 0.01489; TOPMed 0.00299; 1000 Genomes Project 0.00499; 1000 Genomes Project 30x 0.00468.
gnomAD v4.1: 2,244 of 453,836 alleles (0.49%); highest among the groups gnomAD compares: South Asian, 1.8%; 25 homozygotes.

Submission:

Illumina Laboratory Services, Illumina
Classification: Likely benign for Methylmalonic aciduria, cblB type. Last evaluated: 2018-01-13. Review status: criteria provided, single submitter. Criteria: ICSL Variant Classification Criteria 13 December 2019. Collection method: clinical testing. Allele origin: germline.
Comment: This variant was observed in the ICSL laboratory as part of a predisposition screen in an ostensibly healthy population. It had not been previously curated by ICSL or reported in the Human Gene Mutation Database (HGMD: prior to June 1st, 2018), and was therefore a candidate for classification through an automated scoring system. Utilizing variant allele frequency, disease prevalence and penetrance estimates, and inheritance mode, an automated score was calculated to assess if this variant is too frequent to cause the disease. Based on the score and internal cut-off values, a variant classified as likely benign is not then subjected to further curation. The score for this variant resulted in a classification of likely benign for this disease.